The following is an entry in ClinVar:

NM_032217.5(ANKRD17):c.2229+18A>G

Gene: ANKRD17 (ankyrin repeat domain 17; minus strand). Cytogenetic location: 4q13.3.
Variant type: single nucleotide variant.
Coding change: c.2229+18A>G on transcript NM_032217.5 (MANE Select); 18 bases into the intron after coding-DNA position 2229, A replaced by G.
Molecular consequence: intron variant.
Genome position (GRCh38, 1-based): chr4:73,142,224, T>C on the plus strand (A>G on the coding strand, the complement: ANKRD17 is on the minus strand). VCF-style: chr4-73142224-T-C. GRCh37 (hg19) VCF-style: chr4-74007941-T-C.
Other names: c.2229+18A>G (NM_198889.3, NM_015574.2); c.1890+18A>G (NM_001286771.3).
Identifiers: ClinVar variation 2429072 (VCV002429072.4), dbSNP rs2531014897, ClinGen allele CA2580071801.

ClinVar aggregate classification (germline): Uncertain significance (1 of 4 stars; one submission).

Submission:

Greenwood Genetic Center Diagnostic Laboratories, Greenwood Genetic Center
Classification: Uncertain significance. Last evaluated: 2022-10-12. Review status: criteria provided, single submitter. Criteria: ACMG Guidelines, 2015. Collection method: clinical testing. Allele origin: germline. Affected: yes.
Comment: PM2, BP4